The following is an entry in ClinVar:

ClinVar aggregate classification (germline): Likely benign. Review status: criteria provided, multiple submitters, no conflicts (2 of 4 stars). 3 submissions from 3 submitters: Likely benign (2). 1 of the submissions does not count toward it. Last evaluated 2026-01-27.

Conditions:
KANK2-related disorder. Also called: KANK2-related condition.

Allele frequency attached by ClinVar (database versions not stated): 1000 Genomes Project 0.00060; 1000 Genomes Project 30x 0.00062; gnomAD exomes 0.00180 and 0.00258; gnomAD 0.00192 and 0.00197; ExAC 0.00195; TOPMed 0.00209; ESP Exome Variant Server 0.00277.
gnomAD v4.1: 4,047 of 1,614,094 alleles (0.25%); highest among the groups gnomAD compares: Non-Finnish European, 0.31%; 5 homozygotes.

Submissions (14):

Labcorp Genetics (formerly Invitae), Labcorp
Classification: Likely benign. Last evaluated: 2026-01-27. Review status: criteria provided, single submitter. Criteria: Invitae Variant Classification Sherloc (09022015). Collection method: clinical testing. Allele origin: germline.

Breakthrough Genomics
Classification: Likely benign. Review status: criteria provided, single submitter. Criteria: ACMG Guidelines, 2015. Collection method: not provided. Allele origin: germline. Inheritance: Autosomal recessive inheritance. Affected: yes.

PreventionGenetics, part of Exact Sciences
Classification: Likely benign for KANK2-related condition. Last evaluated: 2022-02-14. Review status: no assertion criteria provided. Collection method: clinical testing. Allele origin: germline. Not counted in ClinVar's aggregate classification.
Comment: This variant is classified as likely benign based on ACMG/AMP sequence variant interpretation guidelines (Richards et al. 2015 PMID: 25741868, with internal and published modifications).

Dr. Peter K. Rogan Lab, Western University
No classification provided (evidence only). Condition: Clear cell carcinoma of kidney. Review status: no classification provided. Collection method: in vitro. Allele origin: not applicable. Functional consequence: retained intron. Not counted in ClinVar's aggregate classification.

Dr. Peter K. Rogan Lab, Western University
No classification provided (evidence only). Condition: Melanoma. Review status: no classification provided. Collection method: in vitro. Allele origin: not applicable. Functional consequence: retained intron. Not counted in ClinVar's aggregate classification.

Dr. Peter K. Rogan Lab, Western University
No classification provided (evidence only). Condition: Melanoma. Review status: no classification provided. Collection method: in vitro. Allele origin: not applicable. Functional consequence: retained intron. Not counted in ClinVar's aggregate classification.

Dr. Peter K. Rogan Lab, Western University
No classification provided (evidence only). Condition: Melanoma. Review status: no classification provided. Collection method: in vitro. Allele origin: not applicable. Functional consequence: retained intron. Not counted in ClinVar's aggregate classification.

Dr. Peter K. Rogan Lab, Western University
No classification provided (evidence only). Condition: Thyroid cancer, nonmedullary, 1. Review status: no classification provided. Collection method: in vitro. Allele origin: not applicable. Functional consequence: retained intron. Not counted in ClinVar's aggregate classification.

Dr. Peter K. Rogan Lab, Western University
No classification provided (evidence only). Condition: Cervical cancer. Review status: no classification provided. Collection method: in vitro. Allele origin: not applicable. Functional consequence: retained intron. Not counted in ClinVar's aggregate classification.

Dr. Peter K. Rogan Lab, Western University
No classification provided (evidence only). Condition: Cervical cancer. Review status: no classification provided. Collection method: in vitro. Allele origin: not applicable. Functional consequence: retained intron. Not counted in ClinVar's aggregate classification.

Dr. Peter K. Rogan Lab, Western University
No classification provided (evidence only). Condition: Hepatocellular carcinoma. Review status: no classification provided. Collection method: in vitro. Allele origin: not applicable. Functional consequence: retained intron. Not counted in ClinVar's aggregate classification.

Dr. Peter K. Rogan Lab, Western University
No classification provided (evidence only). Condition: Thymoma. Review status: no classification provided. Collection method: in vitro. Allele origin: not applicable. Functional consequence: retained intron. Not counted in ClinVar's aggregate classification.

Dr. Peter K. Rogan Lab, Western University
No classification provided (evidence only). Condition: Thymoma. Review status: no classification provided. Collection method: in vitro. Allele origin: not applicable. Functional consequence: retained intron. Not counted in ClinVar's aggregate classification.

Dr. Peter K. Rogan Lab, Western University
No classification provided (evidence only). Condition: Uterine carcinosarcoma. Review status: no classification provided. Collection method: in vitro. Allele origin: not applicable. Functional consequence: retained intron. Not counted in ClinVar's aggregate classification.

NM_001136191.3(KANK2):c.2512A>G (p.Met838Val)

Gene: KANK2 (KN motif and ankyrin repeat domains 2; minus strand). Cytogenetic location: 19p13.2.
Variant type: single nucleotide variant.
Coding change: c.2512A>G on transcript NM_001136191.3 (MANE Select); coding-DNA position 2512, A replaced by G.
Protein change: p.Met838Val; replaces methionine 838 with valine.
Molecular consequence: missense variant.
Genome position (GRCh38, 1-based): chr19:11,166,602, T>C on the plus strand (A>G on the coding strand, the complement: KANK2 is on the minus strand). VCF-style: chr19-11166602-T-C. GRCh37 (hg19) VCF-style: chr19-11277278-T-C.
Other names: c.2536A>G (NM_015493.6); c.2512A>G, p.Met838Val (NM_001329451.2, NM_001379555.1, NM_001379556.1 and 7 more transcripts); c.2536A>G, p.Met846Val (NM_001379548.1, NM_001379549.1, NM_001379550.1 and 5 more transcripts); short protein forms M838V, M846V.
Identifiers: ClinVar variation 1554484 (VCV001554484.12), dbSNP rs117057052, ClinGen allele CA9205210.